The following is an entry in ClinVar:

NM_007294.4(BRCA1):c.75del (p.Ile26fs)

Gene: BRCA1 (BRCA1 DNA repair associated; minus strand). Cytogenetic location: 17q21.31.
Variant type: Deletion.
Coding change: c.75del on transcript NM_007294.4 (MANE Select); coding-DNA position 75, one base deleted (C; older notation c.75delC).
Protein change: p.Ile26fs; shifts the reading frame from isoleucine 26.
Molecular consequence: frameshift variant. On other transcripts: 5 prime UTR variant (1), non-coding transcript variant (1).
Genome position (GRCh38, 1-based): chr17:43,124,022, G deleted on the plus strand (C on the coding strand, the reverse complement: BRCA1 is on the minus strand); the first of 3 consecutive G bases (chr17:43,124,022-43,124,024); deleting any one gives the same sequence. VCF-style (leftmost placement, unchanged base first): chr17-43124021-TG-T. GRCh37 (hg19) VCF-style: chr17-41276038-TG-T.
Other names: c.75delC (NM_007294.3); c.-116delC (NM_001407571.1, NM_001407853.1, NM_001407879.1 and 46 more transcripts); c.73delC, p.Ile26Serfs (NM_001407581.1, NM_001407582.1, NM_001407583.1 and 191 more transcripts); c.-185delC (NM_001407694.1, NM_001407724.1, NM_001407727.1 and 11 more transcripts); c.-189delC (NM_001407695.1, NM_001408465.1); c.-330delC (NM_001407696.1); c.-214delC (NM_001407697.1, NM_001407846.1, NM_001407920.1); c.-15delC (NM_001407698.1, NM_001407732.1, NM_001407736.1 and 22 more transcripts); and 11 more; short protein forms I26fs.
Identifiers: ClinVar variation 827148 (VCV000827148.6), dbSNP rs80357633, ClinGen allele CA915950095.
Genomic context (GRCh38, chr17:43,124,021, plus strand): 5'-TTGCATAGGAGATAATCATAGGAATCCCAAATTAATACACTCTTGTGCTGACTTACCAGA[TG>T]GGACACTCTAAGATTTTCTGCATAGCATTAATGACATTTTGTACTTCTTCAACGCGAAGA-3'

ClinVar aggregate classification (germline): Pathogenic. Review status: criteria provided, multiple submitters, no conflicts (2 of 4 stars). 2 submissions from 2 submitters: Pathogenic (2). Last evaluated 2024-01-31.

Conditions:
Hereditary cancer-predisposing syndrome. Also called: Tumor predisposition; Hereditary Cancer Syndrome; Hereditary neoplastic syndrome; Neoplastic Syndromes, Hereditary. Identifiers: Orphanet 140162, MedGen C0027672, MeSH D009386, MONDO:0015356.
Breast-ovarian cancer, familial, susceptibility to, 1 (BROVCA1). Also called: BRCA1 Hereditary Breast and Ovarian Cancer; OVARIAN CANCER, SUSCEPTIBILITY TO. Identifiers: Orphanet 145, MedGen C2676676, MONDO:0011450, OMIM 604370. Disease mechanism: loss of function.
Pancreatic cancer, susceptibility to, 4. Identifiers: Orphanet 1333, MedGen C3280442, MONDO:0013685, OMIM 614320.
Fanconi anemia, complementation group S (FANCS). Identifiers: MedGen C4554406, MONDO:0054748, OMIM 617883.

Submissions (2):

Fulgent Genetics
Classification: Pathogenic for Breast-ovarian cancer, familial, susceptibility to, 1; Pancreatic cancer, susceptibility to, 4; Fanconi anemia, complementation group S. Last evaluated: 2024-01-31. Review status: criteria provided, single submitter. Criteria: ACMG Guidelines, 2015. Collection method: clinical testing. Allele origin: germline.

Ambry Genetics
Classification: Pathogenic for Hereditary cancer-predisposing syndrome. Last evaluated: 2019-07-15. Review status: criteria provided, single submitter. Criteria: Ambry Variant Classification Scheme 2023. Collection method: clinical testing. Allele origin: germline.
Comment: The c.75delC pathogenic mutation, located in coding exon 1 of the BRCA1 gene, results from a deletion of one nucleotide at nucleotide position 75, causing a translational frameshift with a predicted alternate stop codon (p.I26Sfs*5). This alteration is expected to result in loss of function by premature protein truncation or nonsense-mediated mRNA decay. As such, this alteration is interpreted as a disease-causing mutation.